The following is an entry in ClinVar:

ClinVar aggregate classification (germline): Uncertain significance (1 of 4 stars; one submission).

Conditions:
Primary dilated cardiomyopathy (DCM). Also called: Dilated Cardiomyopathy. Identifiers: Orphanet 217604, MedGen C0007193, MeSH D002311, MONDO:0005021, HP:0001644. Inheritance: Various modes of inheritance.

Allele frequency attached by ClinVar (database versions not stated): TOPMed below 0.00001; gnomAD exomes below 0.00001.
gnomAD v4.1: 5 of 1,613,640 alleles (0.00031%); highest among the groups gnomAD compares: African/African-American, 0.0027%; no homozygotes.

Submission:

Labcorp Genetics (formerly Invitae), Labcorp
Classification: Uncertain significance for Primary dilated cardiomyopathy. Last evaluated: 2025-04-27. Review status: criteria provided, single submitter. Criteria: Invitae Variant Classification Sherloc (09022015). Collection method: clinical testing. Allele origin: germline.
Comment: This sequence change replaces glycine, which is neutral and non-polar, with serine, which is neutral and polar, at codon 46 of the TXNRD2 protein (p.Gly46Ser). This variant is present in population databases (no rsID available, gnomAD 0.007%). This variant has not been reported in the literature in individuals affected with TXNRD2-related conditions. ClinVar contains an entry for this variant (Variation ID: 2912708). Invitae Evidence Modeling of protein sequence and biophysical properties (such as structural, functional, and spatial information, amino acid conservation, physicochemical variation, residue mobility, and thermodynamic stability) indicates that this missense variant is expected to disrupt TXNRD2 protein function with a positive predictive value of 80%. In summary, the available evidence is currently insufficient to determine the role of this variant in disease. Therefore, it has been classified as a Variant of Uncertain Significance.

NM_006440.5(TXNRD2):c.136G>A (p.Gly46Ser)

Gene: TXNRD2 (thioredoxin reductase 2; minus strand). Cytogenetic location: 22q11.21.
Variant type: single nucleotide variant.
Coding change: c.136G>A on transcript NM_006440.5 (MANE Select); coding-DNA position 136, G replaced by A.
Protein change: p.Gly46Ser; replaces glycine 46 with serine.
Molecular consequence: missense variant. On other transcripts: 5 prime UTR variant (1), non-coding transcript variant (1).
Genome position (GRCh38, 1-based): chr22:19,931,066, C>T on the plus strand (G>A on the coding strand, the complement: TXNRD2 is on the minus strand). VCF-style: chr22-19931066-C-T. GRCh37 (hg19) VCF-style: chr22-19918589-C-T.
Other names: c.136G>A, p.Gly46Ser (NM_001282512.3); c.133G>A, p.Gly45Ser (NM_001352300.2); c.46G>A, p.Gly16Ser (NM_001352301.2); c.-153G>A (NM_001352302.2); c.40G>A, p.Gly14Ser (NM_001352303.2); short protein forms G46S, G14S, G16S, G45S.
Identifiers: ClinVar variation 2912708 (VCV002912708.3), dbSNP rs1443401495, ClinGen allele CA410697026.